The following is an entry in ClinVar:

ClinVar aggregate classification (germline): Likely pathogenic (1 of 4 stars; one submission).

Conditions:
FGFR2-related craniosynostosis. Identifiers: MedGen CN231480.

Submission:

Labcorp Genetics (formerly Invitae), Labcorp
Classification: Likely pathogenic for FGFR2-related craniosynostosis. Last evaluated: 2024-03-21. Review status: criteria provided, single submitter. Criteria: Invitae Variant Classification Sherloc (09022015). Collection method: clinical testing. Allele origin: germline.
Comment: This sequence change replaces glutamic acid, which is acidic and polar, with lysine, which is basic and polar, at codon 565 of the FGFR2 protein (p.Glu565Lys). This variant is not present in population databases (gnomAD no frequency). This missense change has been observed in individual(s) with Pfeiffer syndrome (Invitae). Advanced modeling of protein sequence and biophysical properties (such as structural, functional, and spatial information, amino acid conservation, physicochemical variation, residue mobility, and thermodynamic stability) performed at Invitae indicates that this missense variant is expected to disrupt FGFR2 protein function with a positive predictive value of 95%. This variant disrupts the p.Glu565 amino acid residue in FGFR2. Other variant(s) that disrupt this residue have been determined to be pathogenic (PMID: 11781872, 15523615, 18541976, 24127277). This suggests that this residue is clinically significant, and that variants that disrupt this residue are likely to be disease-causing. In summary, the currently available evidence indicates that the variant is pathogenic, but additional data are needed to prove that conclusively. Therefore, this variant has been classified as Likely Pathogenic.

Literature cited by the submitters: PubMed 11781872; PubMed 15523615; PubMed 18541976; PubMed 24127277.

NM_000141.5(FGFR2):c.1693G>A (p.Glu565Lys)

Gene: FGFR2 (fibroblast growth factor receptor 2; minus strand). Cytogenetic location: 10q26.13.
Variant type: single nucleotide variant.
Coding change: c.1693G>A on transcript NM_000141.5 (MANE Select); coding-DNA position 1693, G replaced by A.
Protein change: p.Glu565Lys; replaces glutamic acid 565 with lysine.
Molecular consequence: missense variant. On other transcripts: non-coding transcript variant (1).
Genome position (GRCh38, 1-based): chr10:121,496,702, C>T on the plus strand (G>A on the coding strand, the complement: FGFR2 is on the minus strand). VCF-style: chr10-121496702-C-T. GRCh37 (hg19) VCF-style: chr10-123256216-C-T.
Other names: c.1696G>A, p.Glu566Lys (NM_001144913.1, NM_022970.4); c.1357G>A, p.Glu453Lys (NM_001144914.1); c.1426G>A, p.Glu476Lys (NM_001144915.2, NM_023029.3); c.1348G>A, p.Glu450Lys (NM_001144916.2); c.1345G>A, p.Glu449Lys (NM_001144917.2); c.1342G>A, p.Glu448Lys (NM_001144918.2); c.1429G>A, p.Glu477Lys (NM_001144919.2); c.1009G>A, p.Glu337Lys (NM_001320654.2); and 1 more; short protein forms E453K, E477K, E565K, E449K, E563K, E337K, E566K, E448K.
Identifiers: ClinVar variation 2807327 (VCV002807327.3), dbSNP rs2133944245, ClinGen allele CA378320644.